The following is an entry in ClinVar:

NM_001191061.2(SLC25A22):c.133G>T (p.Val45Leu)

Gene: SLC25A22 (solute carrier family 25 member 22; minus strand). Cytogenetic location: 11p15.5.
Variant type: single nucleotide variant.
Coding change: c.133G>T on transcript NM_001191061.2 (MANE Select); coding-DNA position 133, G replaced by T.
Protein change: p.Val45Leu; replaces valine 45 with leucine.
Molecular consequence: missense variant.
Genome position (GRCh38, 1-based): chr11:794,789, C>A on the plus strand (G>T on the coding strand, the complement: SLC25A22 is on the minus strand). VCF-style: chr11-794789-C-A. GRCh37 (hg19) VCF-style: chr11-794789-C-A.
Other names: p.Val45Leu; c.133G>T, p.Val45Leu (NM_001191060.2, NM_001425334.1, NM_001425335.1 and 9 more transcripts); c.-191G>T (NM_001425344.1); short protein forms V45L.
Identifiers: ClinVar variation 2683129 (VCV002683129.4), dbSNP rs570016062, ClinGen allele CA5789396.

ClinVar aggregate classification (germline): Conflicting classifications of pathogenicity. Review status: criteria provided, conflicting classifications (1 of 4 stars). 2 submissions from 2 submitters: Uncertain significance (1); Likely benign (1). Last evaluated 2025-08-29.

Conditions:
Early-infantile DEE. Also called: Ohtahara syndrome; Early infantile epileptic encephalopathy with suppression bursts; Early infantile epileptic encephalopathy. Identifiers: Orphanet 1934, MedGen C0393706, MONDO:0800491.

Allele frequency attached by ClinVar (database versions not stated): 1000 Genomes Project 30x 0.00031; 1000 Genomes Project 0.00040; ExAC 0.00054.

Submissions (2):

Labcorp Genetics (formerly Invitae), Labcorp
Classification: Likely benign for Early-infantile DEE. Last evaluated: 2025-08-29. Review status: criteria provided, single submitter. Criteria: Invitae Variant Classification Sherloc (09022015). Collection method: clinical testing. Allele origin: germline.

Mayo Clinic Laboratories, Mayo Clinic
Classification: Uncertain significance. Last evaluated: 2022-08-29. Review status: criteria provided, single submitter. Criteria: ACMG Guidelines, 2015. Collection method: clinical testing. Allele origin: germline. Observed: 1 variant allele.
Comment: BP4